The following is an entry in ClinVar:

ClinVar aggregate classification (germline): Pathogenic/Likely pathogenic. Review status: criteria provided, multiple submitters, no conflicts (2 of 4 stars). 2 submissions from 2 submitters: Pathogenic (1); Likely pathogenic (1). Last evaluated 2023-11-07.

Conditions:
Succinate-semialdehyde dehydrogenase deficiency (SSADHD). Also called: Succinic Semialdehyde Dehydrogenase Deficiency; SSADH DEFICIENCY; 4-HYDROXYBUTYRIC ACIDURIA; GABA METABOLIC DEFECT. Identifiers: Orphanet 22, MedGen C0268631, MONDO:0010083, OMIM 271980.

Allele frequency attached by ClinVar (database versions not stated): gnomAD exomes below 0.00001.

Submissions (2):

Labcorp Genetics (formerly Invitae), Labcorp
Classification: Pathogenic for Succinate-semialdehyde dehydrogenase deficiency. Last evaluated: 2023-11-07. Review status: criteria provided, single submitter. Criteria: Invitae Variant Classification Sherloc (09022015). Collection method: clinical testing. Allele origin: germline.
Comment: This sequence change replaces glycine, which is neutral and non-polar, with aspartic acid, which is acidic and polar, at codon 196 of the ALDH5A1 protein (p.Gly196Asp). This variant is not present in population databases (gnomAD no frequency). This missense change has been observed in individual(s) with succinic semialdehyde dehydrogenase deficiency (PMID: 16545979, 32395407). ClinVar contains an entry for this variant (Variation ID: 1878454). Advanced modeling of protein sequence and biophysical properties (such as structural, functional, and spatial information, amino acid conservation, physicochemical variation, residue mobility, and thermodynamic stability) performed at Invitae indicates that this missense variant is expected to disrupt ALDH5A1 protein function with a positive predictive value of 80%. Experimental studies have shown that this missense change affects ALDH5A1 function (PMID: 32402538). For these reasons, this variant has been classified as Pathogenic.

Elsea Laboratory, Baylor College of Medicine
Classification: Likely pathogenic for Succinate-semialdehyde dehydrogenase deficiency. Last evaluated: 2021-03-08. Review status: criteria provided, single submitter. Criteria: Martin et al. (J Child Neurol. 2021). Collection method: curation. Allele origin: germline. Affected: yes.
Comment: oligomerization domain

Literature cited by the submitters: PubMed 16545979 (cited by Labcorp Genetics (formerly Invitae), Labcorp and Elsea Laboratory, Baylor College of Medicine); PubMed 32395407 (cited by Labcorp Genetics (formerly Invitae), Labcorp); PubMed 32402538 (cited by Labcorp Genetics (formerly Invitae), Labcorp); PubMed 33203024 (cited by Elsea Laboratory, Baylor College of Medicine).

NM_001080.3(ALDH5A1):c.587G>A (p.Gly196Asp)

Gene: ALDH5A1 (aldehyde dehydrogenase 5 family member A1; plus strand). Cytogenetic location: 6p22.3.
Variant type: single nucleotide variant.
Coding change: c.587G>A on transcript NM_001080.3 (MANE Select); coding-DNA position 587, G replaced by A.
Protein change: p.Gly196Asp; replaces glycine 196 with aspartic acid.
Molecular consequence: missense variant.
Genome position (GRCh38, 1-based): chr6:24,503,411, G>A. VCF-style: chr6-24503411-G-A. GRCh37 (hg19) VCF-style: chr6-24503639-G-A.
Other names: c.587G>A, p.Gly196Asp (NM_001368954.1, NM_170740.1); short protein forms G196D.
Identifiers: ClinVar variation 1878454 (VCV001878454.5), dbSNP rs769411080, ClinGen allele CA362969693.
Genomic context (GRCh38, chr6:24,503,411, plus strand): 5'-GAGACATTATCCACACCCCGGCAAAGGACAGGCGGGCCCTGGTCCTCAAGCAGCCCATAG[G>A]CGTGGCTGCAGTCATCACCCCGGTAGGTGACAGGATCAGCAAGATCCTAGGGTGGGAGAT-3'
Protein context (NP_001071.1, residues 186-206): RRALVLKQPI[Gly196Asp]VAAVITPWNF